The following is an entry in ClinVar:

NM_001256317.3(TMPRSS3):c.876C>A (p.Tyr292Ter)

Gene: TMPRSS3 (transmembrane serine protease 3; minus strand). Cytogenetic location: 21q22.3.
Variant type: single nucleotide variant.
Coding change: c.876C>A on transcript NM_001256317.3 (MANE Select); coding-DNA position 876, C replaced by A.
Protein change: p.Tyr292Ter; replaces tyrosine 292 with a stop codon.
Molecular consequence: nonsense.
Genome position (GRCh38, 1-based): chr21:42,382,141, G>T on the plus strand (C>A on the coding strand, the complement: TMPRSS3 is on the minus strand). VCF-style: chr21-42382141-G-T. GRCh37 (hg19) VCF-style: chr21-43802250-G-T.
Other names: c.876C>A, p.Tyr292Ter (NM_024022.4, NM_032405.2); c.495C>A, p.Tyr165Ter (NM_032404.3); short protein forms Y165*, Y292*.
Identifiers: ClinVar variation 2808450 (VCV002808450.3), dbSNP rs2517112430, ClinGen allele CA410372573.

ClinVar aggregate classification (germline): Pathogenic (1 of 4 stars; one submission).

Allele frequency attached by ClinVar (database versions not stated): gnomAD exomes below 0.00001.
gnomAD v4.1: 1 of 1,614,198 alleles (0.000062%); highest among the groups gnomAD compares: African/African-American, 0.0013%; no homozygotes.

Submission:

Labcorp Genetics (formerly Invitae), Labcorp
Classification: Pathogenic. Last evaluated: 2023-08-16. Review status: criteria provided, single submitter. Criteria: Invitae Variant Classification Sherloc (09022015). Collection method: clinical testing. Allele origin: germline.
Comment: This sequence change creates a premature translational stop signal (p.Tyr292*) in the TMPRSS3 gene. It is expected to result in an absent or disrupted protein product. Loss-of-function variants in TMPRSS3 are known to be pathogenic (PMID: 16021470, 26969326). This variant is not present in population databases (gnomAD no frequency). For these reasons, this variant has been classified as Pathogenic. This variant has not been reported in the literature in individuals affected with TMPRSS3-related conditions.

Literature cited by the submitters: PubMed 16021470; PubMed 26969326.